The following is an entry in ClinVar:

ClinVar aggregate classification (germline): Uncertain significance (1 of 4 stars; one submission).

Submission:

Labcorp Genetics (formerly Invitae), Labcorp
Classification: Uncertain significance. Last evaluated: 2022-08-10. Review status: criteria provided, single submitter. Criteria: Invitae Variant Classification Sherloc (09022015). Collection method: clinical testing. Allele origin: germline.
Comment: This variant is not present in population databases (gnomAD no frequency). This variant has not been reported in the literature in individuals affected with GRIN2D-related conditions. ClinVar contains an entry for this variant (Variation ID: 1427743). In summary, the available evidence is currently insufficient to determine the role of this variant in disease. Therefore, it has been classified as a Variant of Uncertain Significance. This sequence change creates a premature translational stop signal (p.Asp131Thrfs*58) in the GRIN2D gene. It is expected to result in an absent or disrupted protein product. However, the current clinical and genetic evidence is not sufficient to establish whether loss-of-function variants in GRIN2D cause disease.

NM_000836.4(GRIN2D):c.390del (p.Asp131fs)

Genes: GRIN2D (glutamate ionotropic receptor NMDA type subunit 2D; plus strand), LOC130064856 (ATAC-STARR-seq lymphoblastoid silent region 10880; plus strand). Cytogenetic location: 19q13.33.
Variant type: Deletion.
Coding change: c.390del on transcript NM_000836.4 (MANE Select); coding-DNA position 390, one base deleted (C; older notation c.390delC).
Protein change: p.Asp131fs; shifts the reading frame from aspartic acid 131.
Molecular consequence: frameshift variant.
Genome position (GRCh38, 1-based): chr19:48,398,782, C deleted. VCF-style (leftmost placement, unchanged base first): chr19-48398781-TC-T. GRCh37 (hg19) VCF-style: chr19-48902038-TC-T.
Other names: short protein forms D131fs.
Identifiers: ClinVar variation 1427743 (VCV001427743.6), dbSNP rs2147434686, ClinGen allele CA2573156593.